The following is an entry in ClinVar:

ClinVar aggregate classification (germline): Uncertain significance (1 of 4 stars; one submission).

Conditions:
X-linked lymphoproliferative disease due to SH2D1A deficiency (XLP1). Also called: SH2D1A-Related Lymphoproliferative Disease, X-Linked; DUNCAN DISEASE; IMMUNODEFICIENCY 5; IMMUNODEFICIENCY, X-LINKED PROGRESSIVE COMBINED VARIABLE; INFECTIOUS MONONUCLEOSIS, SEVERE, SUSCEPTIBILITY TO; EBV infection severe susceptibility to. Identifiers: Orphanet 2442, Orphanet 538931, MedGen C5399825, MONDO:0024551, OMIM 308240.

gnomAD v4.1: 1 of 1,193,393 alleles (0.000084%); highest among the groups gnomAD compares: Non-Finnish European, 0.00011%; no homozygotes.

Submission:

Labcorp Genetics (formerly Invitae), Labcorp
Classification: Uncertain significance for X-linked lymphoproliferative disease due to SH2D1A deficiency. Last evaluated: 2025-04-14. Review status: criteria provided, single submitter. Criteria: Invitae Variant Classification Sherloc (09022015). Collection method: clinical testing. Allele origin: germline.
Comment: This sequence change replaces alanine, which is neutral and non-polar, with threonine, which is neutral and polar, at codon 86 of the SH2D1A protein (p.Ala86Thr). This variant is not present in population databases (gnomAD no frequency). This variant has not been reported in the literature in individuals affected with SH2D1A-related conditions. An algorithm developed to predict the effect of missense changes on protein structure and function (PolyPhen-2) suggests that this variant is likely to be disruptive. Algorithms developed to predict the effect of sequence changes on RNA splicing suggest that this variant may create or strengthen a splice site. In summary, the available evidence is currently insufficient to determine the role of this variant in disease. Therefore, it has been classified as a Variant of Uncertain Significance.

NM_002351.5(SH2D1A):c.256G>A (p.Ala86Thr)

Gene: SH2D1A (SH2 domain containing 1A; plus strand). Cytogenetic location: Xq25.
Variant type: single nucleotide variant.
Coding change: c.256G>A on transcript NM_002351.5 (MANE Select); coding-DNA position 256, G replaced by A.
Protein change: p.Ala86Thr; replaces alanine 86 with threonine.
Molecular consequence: missense variant.
Genome position (GRCh38, 1-based): chrX:124,370,230, G>A. VCF-style: chrX-124370230-G-A. GRCh37 (hg19) VCF-style: chrX-123504080-G-A.
Other names: c.256G>A, p.Ala86Thr (NM_001114937.3); short protein forms A86T.
Identifiers: ClinVar variation 4810081 (VCV004810081.1).